The following is an entry in ClinVar:

NM_000152.5(GAA):c.2043C>A (p.Pro681=)

Gene: GAA (alpha glucosidase; plus strand). Cytogenetic location: 17q25.3.
Variant type: single nucleotide variant.
Coding change: c.2043C>A on transcript NM_000152.5 (MANE Select); coding-DNA position 2043, C replaced by A.
Protein change: p.Pro681=; no amino-acid change (proline 681 retained).
Molecular consequence: synonymous variant.
Genome position (GRCh38, 1-based): chr17:80,113,220, C>A. VCF-style: chr17-80113220-C-A. GRCh37 (hg19) VCF-style: chr17-78087019-C-A.
Other names: c.2043C>A, p.Pro681= (NM_001079803.3, NM_001079804.3).
Identifiers: ClinVar variation 1100022 (VCV001100022.12), dbSNP rs764174168, ClinGen allele CA8815597.

ClinVar aggregate classification (germline): Likely benign. Review status: criteria provided, multiple submitters, no conflicts (2 of 4 stars). 3 submissions from 3 submitters: Likely benign (3). Last evaluated 2026-05-01.

Conditions:
Glycogen storage disease, type II (IOPD). Also called: Glycogen storage disease type 2; Acid maltase deficiency disease; Aglucosidase alfa; Deficiency of alpha-glucosidase; Deficiency of lysosomal alpha-glucosidase; Glucosidase acid-1,4-alpha deficiency. Identifiers: Orphanet 365, MedGen C0017921, MONDO:0009290, OMIM 232300.

Allele frequency attached by ClinVar (database versions not stated): gnomAD exomes 0.00001; TOPMed 0.00001; ExAC 0.00008.
gnomAD v4.1: 6 of 1,598,506 alleles (0.00038%); highest among the groups gnomAD compares: Admixed American, 0.01%; no homozygotes.

Submissions (3):

CeGaT Center for Human Genetics Tuebingen
Classification: Likely benign. Last evaluated: 2026-05-01. Review status: criteria provided, single submitter. Criteria: CeGaT Center For Human Genetics Tuebingen Variant Classification Criteria Version 2. Collection method: clinical testing. Allele origin: germline. Affected: yes. Observed: 1 variant allele.
Comment: GAA: BP4, BP7

Labcorp Genetics (formerly Invitae), Labcorp
Classification: Likely benign for Glycogen storage disease, type II. Last evaluated: 2025-11-24. Review status: criteria provided, single submitter. Criteria: Invitae Variant Classification Sherloc (09022015). Collection method: clinical testing. Allele origin: germline.

Fulgent Genetics
Classification: Likely benign for Glycogen storage disease, type II. Last evaluated: 2021-11-22. Review status: criteria provided, single submitter. Criteria: ACMG Guidelines, 2015. Collection method: clinical testing. Allele origin: unknown.